The following is an entry in ClinVar:

ClinVar aggregate classification (germline): Pathogenic/Likely pathogenic. Review status: criteria provided, multiple submitters, no conflicts (2 of 4 stars). 2 submissions from 2 submitters: Pathogenic (1); Likely pathogenic (1). Last evaluated 2022-10-28.

Conditions:
Lissencephaly due to LIS1 mutation (LIS1). Also called: PAFAH1B1-Associated Lissencephaly/Subcortical Band Heterotopia; Isolated Lissencephaly Sequence; PAFAH1B1-Related Lissencephaly/Subcortical Band Heterotopia. Identifiers: Orphanet 95232, MedGen C4749301, MONDO:0011830, OMIM 607432.

Submissions (2):

Labcorp Genetics (formerly Invitae), Labcorp
Classification: Likely pathogenic. Last evaluated: 2022-10-28. Review status: criteria provided, single submitter. Criteria: Invitae Variant Classification Sherloc (09022015). Collection method: clinical testing. Allele origin: germline.
Comment: In summary, the currently available evidence indicates that the variant is pathogenic, but additional data are needed to prove that conclusively. Therefore, this variant has been classified as Likely Pathogenic. This variant disrupts the C-terminus of the PAFAH1B1 protein. Other variant(s) that disrupt this region (p.Arg371*, p.Leu386*, p.Glu402*) have been observed in individuals with PAFAH1B1-related conditions (PMID: 10727864, 17664403, 29671837). This suggests that this may be a clinically significant region of the protein. ClinVar contains an entry for this variant (Variation ID: 1334701). This variant has not been reported in the literature in individuals affected with PAFAH1B1-related conditions. This variant is not present in population databases (gnomAD no frequency). This sequence change creates a premature translational stop signal (p.Leu362Profs*13) in the PAFAH1B1 gene. While this is not anticipated to result in nonsense mediated decay, it is expected to disrupt the last 49 amino acid(s) of the PAFAH1B1 protein.

Greenwood Genetic Center Diagnostic Laboratories, Greenwood Genetic Center
Classification: Pathogenic for Lissencephaly due to LIS1 mutation. Last evaluated: 2021-12-09. Review status: criteria provided, single submitter. Criteria: ACMG Guidelines, 2015. Collection method: clinical testing. Allele origin: germline. Affected: yes.
Comment: PVS1, PS2, PM2

Literature cited by the submitters: PubMed 10727864 (cited by Labcorp Genetics (formerly Invitae), Labcorp); PubMed 17664403 (cited by Labcorp Genetics (formerly Invitae), Labcorp); PubMed 29671837 (cited by Labcorp Genetics (formerly Invitae), Labcorp).

NM_000430.4(PAFAH1B1):c.1083_1084dup (p.Leu362fs)

Gene: PAFAH1B1 (platelet activating factor acetylhydrolase 1b regulatory subunit 1; plus strand). Cytogenetic location: 17p13.3.
Variant type: Duplication.
Coding change: c.1083_1084dup on transcript NM_000430.4 (MANE Select); coding-DNA positions 1083 to 1084, 2 bases duplicated (CC; older notation c.1083_1084dupCC).
Protein change: p.Leu362fs; shifts the reading frame from leucine 362.
Molecular consequence: frameshift variant.
Genome position (GRCh38, 1-based): chr17:2,680,244-2,680,245, CC duplicated; duplicating any 2 consecutive bases within chr17:2,680,243-2,680,245 gives the same sequence; the c. name uses the placement nearest the transcript's 3' end. VCF-style (leftmost placement, unchanged base first): chr17-2680242-A-ACC. GRCh37 (hg19) VCF-style: chr17-2583536-A-ACC.
Other names: short protein forms L362fs.
Identifiers: ClinVar variation 1334701 (VCV001334701.9), dbSNP rs2151673946, ClinGen allele CA2573054358.